The following is an entry in ClinVar:

ClinVar aggregate classification (germline): Uncertain significance. Review status: criteria provided, multiple submitters, no conflicts (2 of 4 stars). 4 submissions from 4 submitters: Uncertain significance (3). 1 of the submissions does not count toward it. Last evaluated 2024-05-14.

Conditions:
Creatine deficiency syndrome 1.
Creatine transporter deficiency (CCDS1). Also called: Creatine Transporter (CRTR) Deficiency; Mental retardation , X-linked with seizures, short stature and midface hypoplasia; Mental retardation , X-linked, with creatine transport deficiency; X-linked creatine transporter deficiency; X-linked creatine deficiency syndrome; SLC6A8-Related Creatine Transporter Deficiency. Identifiers: Orphanet 52503, MedGen C1845862, MONDO:0010305, OMIM 300352.

Allele frequency attached by ClinVar (database versions not stated): gnomAD exomes 0.00001 and 0.00005; gnomAD 0.00002; TOPMed 0.00002.
gnomAD v4.1: 60 of 1,190,973 alleles (0.005%); highest among the groups gnomAD compares: Non-Finnish European, 0.0063%; no homozygotes.

Submissions (4):

Labcorp Genetics (formerly Invitae), Labcorp
Classification: Uncertain significance for Creatine transporter deficiency. Last evaluated: 2024-05-14. Review status: criteria provided, single submitter. Criteria: Invitae Variant Classification Sherloc (09022015). Collection method: clinical testing. Allele origin: germline.
Comment: This sequence change replaces serine, which is neutral and polar, with asparagine, which is neutral and polar, at codon 625 of the SLC6A8 protein (p.Ser625Asn). The frequency data for this variant in the population databases is considered unreliable, as metrics indicate poor data quality at this position in the gnomAD database. This variant has not been reported in the literature in individuals affected with SLC6A8-related conditions. ClinVar contains an entry for this variant (Variation ID: 586614). Advanced modeling of protein sequence and biophysical properties (such as structural, functional, and spatial information, amino acid conservation, physicochemical variation, residue mobility, and thermodynamic stability) performed at Invitae indicates that this missense variant is not expected to disrupt SLC6A8 protein function with a negative predictive value of 95%. In summary, the available evidence is currently insufficient to determine the role of this variant in disease. Therefore, it has been classified as a Variant of Uncertain Significance.

GeneDx
Classification: Uncertain significance. Last evaluated: 2019-09-05. Review status: criteria provided, single submitter. Criteria: GeneDx Variant Classification Process June 2021. Collection method: clinical testing. Allele origin: germline. Affected: yes.
Comment: In silico analysis, which includes protein predictors and evolutionary conservation, supports that this variant does not alter protein structure/function; Has not been previously published as pathogenic or benign to our knowledge

Athena Diagnostics
Classification: Uncertain significance. Last evaluated: 2018-03-30. Review status: criteria provided, single submitter. Criteria: Athena Diagnostics Criteria. Collection method: clinical testing. Allele origin: germline.

Natera, Inc.
Classification: Uncertain significance for Creatine deficiency syndrome 1. Last evaluated: 2019-11-11. Review status: no assertion criteria provided. Collection method: clinical testing. Allele origin: germline. Not counted in ClinVar's aggregate classification.

NM_005629.4(SLC6A8):c.1874G>A (p.Ser625Asn)

Gene: SLC6A8 (solute carrier family 6 member 8; plus strand). Cytogenetic location: Xq28.
Variant type: single nucleotide variant.
Coding change: c.1874G>A on transcript NM_005629.4 (MANE Select); coding-DNA position 1874, G replaced by A.
Protein change: p.Ser625Asn; replaces serine 625 with asparagine.
Molecular consequence: missense variant.
Genome position (GRCh38, 1-based): chrX:153,695,180, G>A. VCF-style: chrX-153695180-G-A. GRCh37 (hg19) VCF-style: chrX-152960635-G-A.
Other names: c.1844G>A, p.Ser615Asn (NM_001142805.2); c.1529G>A, p.Ser510Asn (NM_001142806.1); short protein forms S625N, S510N, S615N.
Identifiers: ClinVar variation 586614 (VCV000586614.7), dbSNP rs1181103233, ClinGen allele CA415091270.
Genomic context (GRCh38, chrX:153,695,180, plus strand): 5'-AGTACCGAGCTCAGGACGCAGATGTCAGGGGCCTGACCACCCTGACCCCAGTGTCCGAGA[G>A]CAGCAAGGTCGTCGTGGTGGAGAGTGTCATGTGACAACTCAGCTCACATCACCAGCTCAC-3'
Protein context (NP_005620.1, residues 615-635): GLTTLTPVSE[Ser625Asn]SKVVVVESVM